The following is an entry in ClinVar:

ClinVar aggregate classification (germline): Pathogenic (1 of 4 stars; one submission).

Conditions:
Duchenne muscular dystrophy (DMD). Also called: MUSCULAR DYSTROPHY, PSEUDOHYPERTROPHIC PROGRESSIVE, DUCHENNE TYPE; Duchenne Muscular Dystrophy (DMD). Identifiers: Orphanet 98896, MedGen C0013264, MONDO:0010679, OMIM 310200.

Submission:

Labcorp Genetics (formerly Invitae), Labcorp
Classification: Pathogenic for Duchenne muscular dystrophy. Last evaluated: 2023-09-12. Review status: criteria provided, single submitter. Criteria: Invitae Variant Classification Sherloc (09022015). Collection method: clinical testing. Allele origin: unknown.
Comment: This variant is a gross deletion of the genomic region encompassing exon(s) 50-54 of the DMD gene. This deletion is out-of-frame, and is expected to create a premature termination codon and result in an absent or disrupted protein product. Loss-of-function variants in DMD are known to be pathogenic (PMID: 16770791, 25007885). A similar copy number variant has been observed in individuals with Duchenne muscular dystrophy (PMID: 17854090; Invitae). For these reasons, this variant has been classified as Pathogenic.

Literature cited by the submitters: PubMed 16770791; PubMed 25007885; PubMed 17854090.

NC_000023.10:g.(?_31676087)_(31838220_?)del

Gene: DMD (dystrophin; minus strand). Cytogenetic location: Xp21.1.
Variant type: Deletion.
Identifiers: ClinVar variation 3248352 (VCV003248352.1).